The following is an entry in ClinVar:

ClinVar aggregate classification (germline): Likely benign (0 of 4 stars; one submission).

Conditions:
FOXE3-related disorder. Also called: FOXE3-related condition.

Submission:

PreventionGenetics, part of Exact Sciences
Classification: Likely benign for FOXE3-related condition. Last evaluated: 2024-08-14. Review status: no assertion criteria provided. Collection method: clinical testing. Allele origin: germline.
Comment: This variant is classified as likely benign based on ACMG/AMP sequence variant interpretation guidelines (Richards et al. 2015 PMID: 25741868, with internal and published modifications).

NM_012186.3(FOXE3):c.36G>C (p.Ala12=)

Genes: FOXE3 (forkhead box E3; plus strand), LINC01389 (long intergenic non-protein coding RNA 1389; minus strand). Cytogenetic location: 1p33.
Variant type: single nucleotide variant.
Coding change: c.36G>C on transcript NM_012186.3 (MANE Select); coding-DNA position 36, G replaced by C.
Protein change: p.Ala12=; no amino-acid change (alanine 12 retained).
Molecular consequence: synonymous variant.
Genome position (GRCh38, 1-based): chr1:47,416,351, G>C. VCF-style: chr1-47416351-G-C. GRCh37 (hg19) VCF-style: chr1-47882023-G-C.
Identifiers: ClinVar variation 3351445 (VCV003351445.1).
Genomic context (GRCh38, chr1:47,416,351, plus strand): 5'-GCGCGGGCAGGGGCTGCCGCAGCCGATGGCGGGGCGCAGCGACATGGATCCGCCCGCCGC[G>C]TTCTCTGGCTTCCCTGCCCTGCCAGCGGTCGCGCCGTCGGGGCCGCCGCCGTCGCCGCTC-3'
Protein context (NP_036318.1, residues 2-22): AGRSDMDPPA[Ala12=]FSGFPALPAV